The following is an entry in ClinVar:

ClinVar aggregate classification (germline): Uncertain significance (1 of 4 stars; one submission).

Submission:

Labcorp Genetics (formerly Invitae), Labcorp
Classification: Uncertain significance. Last evaluated: 2021-09-10. Review status: criteria provided, single submitter. Criteria: Invitae Variant Classification Sherloc (09022015). Collection method: clinical testing. Allele origin: germline.
Comment: This sequence change replaces proline with leucine at codon 287 of the CLCN4 protein (p.Pro287Leu). The proline residue is highly conserved and there is a moderate physicochemical difference between proline and leucine. This variant is not present in population databases (ExAC no frequency). This variant has not been reported in the literature in individuals affected with CLCN4-related conditions. Algorithms developed to predict the effect of missense changes on protein structure and function are either unavailable or do not agree on the potential impact of this missense change (SIFT: "Deleterious"; PolyPhen-2: "Probably Damaging"; Align-GVGD: "Class C0"). In summary, the available evidence is currently insufficient to determine the role of this variant in disease. Therefore, it has been classified as a Variant of Uncertain Significance.

NM_001830.4(CLCN4):c.860C>T (p.Pro287Leu)

Gene: CLCN4 (chloride voltage-gated channel 4; plus strand). Cytogenetic location: Xp22.2.
Variant type: single nucleotide variant.
Coding change: c.860C>T on transcript NM_001830.4 (MANE Select); coding-DNA position 860, C replaced by T.
Protein change: p.Pro287Leu; replaces proline 287 with leucine.
Molecular consequence: missense variant.
Genome position (GRCh38, 1-based): chrX:10,208,061, C>T. VCF-style: chrX-10208061-C-T. GRCh37 (hg19) VCF-style: chrX-10176101-C-T.
Other names: c.578C>T, p.Pro193Leu (NM_001256944.2); short protein forms P193L, P287L.
Identifiers: ClinVar variation 1489773 (VCV001489773.6), dbSNP rs2147179490, ClinGen allele CA412037323.
Genomic context (GRCh38, chrX:10,208,061, plus strand): 5'-CTCTTTCTCCGGCCAGTCTTTAATTTTCCACTTTTTCATCTCAGGTCAGTTACTACTTTC[C>T]CCTGAAGACCTTGTGGAGGTCATTTTTCGCAGCCCTGGTGGCGGCCTTTACGCTGAGATC-3'
Protein context (NP_001821.2, residues 277-297): FSLEEVSYYF[Pro287Leu]LKTLWRSFFA